The following is an entry in ClinVar:

ClinVar aggregate classification (germline): Pathogenic/Likely pathogenic. Review status: criteria provided, multiple submitters, no conflicts (2 of 4 stars). 10 submissions from 10 submitters: Pathogenic (3); Likely pathogenic (3). 4 of the submissions do not count toward it. Last evaluated 2026-09-08.

Conditions:
Jeune thoracic dystrophy. Also called: Jeune syndrome; Infantile thoracic dystrophy; Thoracic pelvic phalangeal dystrophy; Jeune's syndrome; Chondroectodermal dysplasia-like syndrome; Short-rib thoracic dysplasia. Identifiers: Orphanet 474, MedGen C0265275, MONDO:0018770.
DYNC2H1-related disorder. Also called: DYNC2H1-related disorders; DYNC2H1-related condition. Identifiers: MedGen CN378770.
Asphyxiating thoracic dystrophy 3. Also called: Saldino-Noonan Syndrome; SHORT-RIB THORACIC DYSPLASIA 3 WITH OR WITHOUT POLYDACTYLY; POLYDACTYLY WITH NEONATAL CHONDRODYSTROPHY, TYPE I; SHORT-RIB THORACIC DYSPLASIA 3/6 WITH POLYDACTYLY, DIGENIC; Short rib polydactyly syndrome 2B. Identifiers: Orphanet 474, Orphanet 93269, Orphanet 93270, Orphanet 93271, MedGen C0036069, MONDO:0013127, OMIM 613091.

Allele frequency attached by ClinVar (database versions not stated): TOPMed 0.00002.
gnomAD v4.1: 34 of 1,612,694 alleles (0.0021%); highest among the groups gnomAD compares: African/African-American, 0.0013%; no homozygotes.

Submissions (10):

GeneDx
Classification: Likely pathogenic. Last evaluated: 2026-09-08. Review status: criteria provided, single submitter. Criteria: GeneDx Variant Classification Process June 2021. Collection method: clinical testing. Allele origin: germline.
Comment: In silico analysis suggests that this missense variant does not alter protein structure/function; This variant is associated with the following publications: (PMID: 23456818, 29068549, 33875766, 29947050, 30408610)

Labcorp Genetics (formerly Invitae), Labcorp
Classification: Pathogenic for Jeune thoracic dystrophy. Last evaluated: 2025-12-15. Review status: criteria provided, single submitter. Criteria: Invitae Variant Classification Sherloc (09022015). Collection method: clinical testing. Allele origin: germline.
Comment: This sequence change replaces alanine, which is neutral and non-polar, with threonine, which is neutral and polar, at codon 2304 of the DYNC2H1 protein (p.Ala2304Thr). This variant is present in population databases (rs747348765, gnomAD 0.07%). This missense change has been observed in individuals with clinical features of short-rib thoracic dysplasia with or without polydactyly (PMID: 23456818, 29068549). It has also been observed to segregate with disease in related individuals. ClinVar contains an entry for this variant (Variation ID: 446539). Invitae Evidence Modeling of protein sequence and biophysical properties (such as structural, functional, and spatial information, amino acid conservation, physicochemical variation, residue mobility, and thermodynamic stability) has been performed for this missense variant. However, the output from this modeling did not meet the statistical confidence thresholds required to predict the impact of this variant on DYNC2H1 protein function. For these reasons, this variant has been classified as Pathogenic.

Women's Health and Genetics/Laboratory Corporation of America, LabCorp
Classification: Pathogenic for Asphyxiating thoracic dystrophy 3. Last evaluated: 2025-11-04. Review status: criteria provided, single submitter. Criteria: LabCorp Variant Classification Summary - May 2015. Collection method: clinical testing. Allele origin: germline.
Comment: Variant summary: DYNC2H1 c.6910G>A (p.Ala2304Thr) results in a non-conservative amino acid change in the encoded protein sequence. Algorithms developed to predict the effect of missense changes on protein structure and function are either unavailable or do not agree on the potential impact of this missense change. The variant allele was found at a frequency of 2.8e-05 in 248376 control chromosomes. c.6910G>A has been observed in the presumed or confirmed compound heterozygous state in multiple individuals affected with Short-rib thoracic dysplasia, including at least 1 family where it segregated with disease (example, Schmidts_2013, Zhang_2018, Uttarilli_2019). These data indicate that the variant is very likely to be associated with disease. To our knowledge, no experimental evidence demonstrating an impact on protein function has been reported. The following publications have been ascertained in the context of this evaluation (PMID: 23456818, 29068549, 30408610). ClinVar contains an entry for this variant (Variation ID: 446539). Based on the evidence outlined above, the variant was classified as pathogenic.

Fulgent Genetics
Classification: Likely pathogenic for Asphyxiating thoracic dystrophy 3. Last evaluated: 2024-04-24. Review status: criteria provided, single submitter. Criteria: ACMG Guidelines, 2015. Collection method: clinical testing. Allele origin: germline.

Blueprint Genetics
Classification: Pathogenic for DYNC2H1-related disorders. Last evaluated: 2023-10-27. Review status: criteria provided, single submitter. Criteria: ACMG Guidelines, 2015. Collection method: clinical testing. Allele origin: germline. Affected: yes. Observed: 4 variant alleles.

Clinical Genetics and Genomics, Karolinska University Hospital
Classification: Likely pathogenic. Last evaluated: 2015-06-24. Review status: criteria provided, single submitter. Criteria: ACMG Guidelines, 2015. Collection method: clinical testing. Allele origin: germline. Affected: yes. Observed: 2 variant alleles.

PreventionGenetics, part of Exact Sciences
Classification: Likely pathogenic for DYNC2H1-related condition. Last evaluated: 2024-02-02. Review status: no assertion criteria provided. Collection method: clinical testing. Allele origin: germline. Not counted in ClinVar's aggregate classification.
Comment: The DYNC2H1 c.6910G>A variant is predicted to result in the amino acid substitution p.Ala2304Thr. This variant was reported in an individual with asphyxiating thoracic dystrophy (Table 2, Schmidts et al. 2013. PubMed ID: 23456818), and individuals with short-rib polydactyly syndrome (neonate in Table S2, Zhang et al. 2018. PubMed ID: 29068549; fetus in Table 2, Daum et al. 2019. PubMed ID: 29947050; Hammarsjö et al. 2021. PubMed ID: 33875766). This variant is reported in 0.070% of alleles in individuals of Ashkenazi Jewish descent in gnomAD. This variant is interpreted as likely pathogenic.

Dan Cohn Lab, University Of California Los Angeles
Classification: Pathogenic for Asphyxiating thoracic dystrophy 3. Last evaluated: 2017-06-01. Review status: no assertion criteria provided. Collection method: research. Allele origin: unknown. Affected: yes. Not counted in ClinVar's aggregate classification.

University of Washington Center for Mendelian Genomics, University of Washington
Classification: Likely pathogenic for Asphyxiating thoracic dystrophy 3. Review status: no assertion criteria provided. Collection method: research. Allele origin: inherited. Affected: yes. Not counted in ClinVar's aggregate classification.

Rare Disease Group, Clinical Genetics, Karolinska Institutet
Classification: Uncertain significance for Jeune thoracic dystrophy. Last evaluated: 2018-05-01. Review status: flagged submission. Criteria: ACMG Guidelines, 2015. Collection method: research. Allele origin: paternal. Inheritance: Autosomal recessive inheritance. Affected: yes. Not counted in ClinVar's aggregate classification.
ClinVar note: Reason: Outlier claim with insufficient supporting evidence

Literature cited by the submitters: PubMed 23456818 (cited by Labcorp Genetics (formerly Invitae), Labcorp and Women's Health and Genetics/Laboratory Corporation of America, LabCorp); PubMed 29068549 (cited by 4 submitters); PubMed 30408610 (cited by Women's Health and Genetics/Laboratory Corporation of America, LabCorp).

NM_001377.3(DYNC2H1):c.6910G>A (p.Ala2304Thr)

Gene: DYNC2H1 (dynein cytoplasmic 2 heavy chain 1; plus strand). Cytogenetic location: 11q22.3.
Variant type: single nucleotide variant.
Coding change: c.6910G>A on transcript NM_001377.3 (MANE Select); coding-DNA position 6910, G replaced by A.
Protein change: p.Ala2304Thr; replaces alanine 2304 with threonine.
Molecular consequence: missense variant.
Genome position (GRCh38, 1-based): chr11:103,187,356, G>A. VCF-style: chr11-103187356-G-A. GRCh37 (hg19) VCF-style: chr11-103058085-G-A.
Other names: c.6910G>A, p.Ala2304Thr (NM_001080463.2); short protein forms A2304T.
Identifiers: ClinVar variation 446539 (VCV000446539.19), dbSNP rs747348765, ClinGen allele CA6254108.
Genomic context (GRCh38, chr11:103,187,356, plus strand): 5'-TGGTTGCATTTTTATCAAAGTCAGATGTCATGCATTTTTCGTAGGATGCTGCTCAGGTAC[G>A]CATTTTCACAACTCCGGTCCACTCAAATTGCTACAGTTCACTGTAGTGCACAAACCACTT-3'
Protein context (NP_001368.2, residues 2294-2314): GCGKGMLLRY[Ala2304Thr]FSQLRSTQIA